The following is an entry in ClinVar:

ClinVar aggregate classification (germline): Pathogenic. Review status: criteria provided, multiple submitters, no conflicts (2 of 4 stars). 5 submissions from 5 submitters: Pathogenic (3). 2 of the submissions do not count toward it. Last evaluated 2026-03-12.

Conditions:
Hereditary factor VIII deficiency disease (HEMA). Also called: HEMOPHILIA, CLASSIC; Hemophilia A, congenital; HEM A; Factor 8 deficiency, congenital; AUTOSOMAL HEMOPHILIA A; Hemophilia A. Identifiers: Orphanet 98878, MedGen C0019069, MONDO:0010602, OMIM 306700.

Allele frequency attached by ClinVar (database versions not stated): TOPMed 0.00009.

Submissions (5):

GeneDx
Classification: Pathogenic. Last evaluated: 2026-03-12. Review status: criteria provided, single submitter. Criteria: GeneDx Variant Classification Process June 2021. Collection method: clinical testing. Allele origin: germline.
Comment: Nonsense variant predicted to result in protein truncation or nonsense mediated decay in a gene for which loss of function is a known mechanism of disease; Not observed at significant frequency in large population cohorts (gnomAD); This variant is associated with the following publications: (PMID: 25525159, 33706050, 33342086, 37285902, 38196513, 32224444, 1979502, 29381227, 35924581, 39125936, 35014236, 1362983, 24602271)

Myriad Genetics, Inc.
Classification: Pathogenic for Hereditary factor VIII deficiency disease. Last evaluated: 2024-07-17. Review status: criteria provided, single submitter. Criteria: Myriad Autosomal Dominant, Autosomal Recessive and X-Linked Classification Criteria (2023). Collection method: clinical testing. Allele origin: unknown.
Comment: NM_000132.3(F8):c.2440C>T(R814*) is expected to be pathogenic in the context of hemophilia A. This variant is predicted to lead to an abnormal or absent protein product due to the creation of a premature termination codon in F8, a gene where loss-of-function variants are known to be pathogenic. Please note: this variant was assessed in the context of healthy population screening.

ARUP Laboratories, Molecular Genetics and Genomics, ARUP Laboratories
Classification: Pathogenic for Hereditary factor VIII deficiency disease. Last evaluated: 2020-11-23. Review status: criteria provided, single submitter. Criteria: ARUP Molecular Germline Variant Investigation Process 2021. Collection method: clinical testing. Allele origin: germline.
Comment: The c.2440C>T, p.Arg814Ter variant (commonly known as Arg795Ter) has been reported in multiple patients diagnosed with severe hemophilia A, with FVIII:C of less than 1 percent (Pattinson 1990, Factor VIII variant database and references therein). It is listed in the dbSNP variant database (rs137852437), and not observed in the general population databases (1000 Genomes Project, Exome Variant Server, Exome Aggregation Consortium). The variant introduces a nonsense codon, and is predicted to result in a truncated protein or an absent transcript. Based on the above information, the variant is considered pathogenic. References: Factor VIII variant database: Pattinson J et al. The molecular genetic analysis of hemophilia A: a directed search strategy for the detection of point mutations in the human factor VIII gene. Blood. 1990 76(11):2242-8.

Genome Diagnostics Laboratory, University Medical Center Utrecht
Classification: Pathogenic. Review status: no assertion criteria provided. Collection method: clinical testing. Allele origin: germline. Affected: yes. Study: VKGL Data-share Consensus. Not counted in ClinVar's aggregate classification.

Joint Genome Diagnostic Labs from Nijmegen and Maastricht, Radboudumc and MUMC+
Classification: Pathogenic. Review status: no assertion criteria provided. Collection method: clinical testing. Allele origin: germline. Affected: yes. Study: VKGL Data-share Consensus. Not counted in ClinVar's aggregate classification.

NM_000132.4(F8):c.2440C>T (p.Arg814Ter)

Gene: F8 (coagulation factor VIII; minus strand). Cytogenetic location: Xq28.
Variant type: single nucleotide variant.
Coding change: c.2440C>T on transcript NM_000132.4 (MANE Select); coding-DNA position 2440, C replaced by T.
Protein change: p.Arg814Ter; replaces arginine 814 with a stop codon.
Molecular consequence: nonsense.
Genome position (GRCh38, 1-based): chrX:154,931,350, G>A on the plus strand (C>T on the coding strand, the complement: F8 is on the minus strand). VCF-style: chrX-154931350-G-A. GRCh37 (hg19) VCF-style: chrX-154159625-G-A.
Other names: c.2440C>T (NM_000132.3); short protein forms R814*.
Identifiers: ClinVar variation 993607 (VCV000993607.14), dbSNP rs137852437, ClinGen allele CA337325695.